The following is an entry in ClinVar:

ClinVar aggregate classification (germline): Likely benign (0 of 4 stars; one submission).

Conditions:
MKS1-related disorder. Also called: MKS1-related condition; MKS1-related disorders. Identifiers: MedGen CN239382.

Submission:

PreventionGenetics, part of Exact Sciences
Classification: Likely benign for MKS1-related condition. Last evaluated: 2023-01-19. Review status: no assertion criteria provided. Collection method: clinical testing. Allele origin: germline.
Comment: This variant is classified as likely benign based on ACMG/AMP sequence variant interpretation guidelines (Richards et al. 2015 PMID: 25741868, with internal and published modifications).

NM_017777.4(MKS1):c.262-156C>T

Gene: MKS1 (MKS transition zone complex subunit 1; minus strand). Cytogenetic location: 17q22.
Variant type: single nucleotide variant.
Coding change: c.262-156C>T on transcript NM_017777.4 (MANE Select); 156 bases into the intron before coding-DNA position 262, C replaced by T.
Molecular consequence: intron variant.
Genome position (GRCh38, 1-based): chr17:58,216,399, G>A on the plus strand (C>T on the coding strand, the complement: MKS1 is on the minus strand). VCF-style: chr17-58216399-G-A. GRCh37 (hg19) VCF-style: chr17-56293760-G-A.
Other names: c.-250-156C>T (NM_001321268.2); c.262-156C>T (NM_001330397.2, NM_001321269.2, NM_001411113.1).
Identifiers: ClinVar variation 3354317 (VCV003354317.1).
Genomic context (GRCh38, chr17:58,216,399, plus strand): 5'-TGATGCTATCTGACATGTTTTCATAACCAACACTAAACTAATGAATGGCAGGGGAACCAA[G>A]AACATTAGAGCTAAAAGGAACCAGACTGATAGTCTAATCCAAGTCTGCTATTACAGATGG-3'